The following is an entry in ClinVar:

NM_001370466.1(NOD2):c.-8-2184G>A

Gene: NOD2 (nucleotide binding oligomerization domain containing 2; plus strand). Cytogenetic location: 16q12.1.
Variant type: single nucleotide variant.
Coding change: c.-8-2184G>A on transcript NM_001370466.1 (MANE Select); 2184 bases into the intron before 8 bases upstream of the start codon, G replaced by A.
Molecular consequence: intron variant. On other transcripts: missense variant (1).
Genome position (GRCh38, 1-based): chr16:50,697,304, G>A. VCF-style: chr16-50697304-G-A. GRCh37 (hg19) VCF-style: chr16-50731215-G-A.
Other names: c.61G>A, p.Gly21Arg (NM_022162.3); short protein forms G21R.
Identifiers: ClinVar variation 657457 (VCV000657457.9), dbSNP rs771671839, ClinGen allele CA8051171.

ClinVar aggregate classification (germline): Uncertain significance (1 of 4 stars; one submission).

Conditions:
Blau syndrome (BLAUS). Also called: GRANULOMATOSIS, FAMILIAL JUVENILE SYSTEMIC; GRANULOMATOSIS, FAMILIAL, BLAU TYPE; GRANULOMATOUS INFLAMMATORY ARTHRITIS, DERMATITIS, AND UVEITIS, FAMILIAL; JABS SYNDROME; ARTHROCUTANEOUVEAL GRANULOMATOSIS. Identifiers: Orphanet 90340, MedGen C5201146, MONDO:0008523, OMIM 186580.
Regional enteritis. Also called: Enteritis, Granulomatous. Identifiers: MedGen C0678202, MeSH D003424.

Allele frequency attached by ClinVar (database versions not stated): ExAC below 0.00001.
gnomAD v4.1: 4 of 1,558,198 alleles (0.00026%); highest among the groups gnomAD compares: East Asian, 0.0024%; no homozygotes.

Submission:

Labcorp Genetics (formerly Invitae), Labcorp
Classification: Uncertain significance for Regional enteritis; Blau syndrome. Last evaluated: 2023-12-04. Review status: criteria provided, single submitter. Criteria: Invitae Variant Classification Sherloc (09022015). Collection method: clinical testing. Allele origin: germline.
Comment: This sequence change replaces glycine, which is neutral and non-polar, with arginine, which is basic and polar, at codon 21 of the NOD2 protein (p.Gly21Arg). This variant is not present in population databases (gnomAD no frequency). This variant has not been reported in the literature in individuals affected with NOD2-related conditions. ClinVar contains an entry for this variant (Variation ID: 657457). Advanced modeling of protein sequence and biophysical properties (such as structural, functional, and spatial information, amino acid conservation, physicochemical variation, residue mobility, and thermodynamic stability) performed at Invitae indicates that this missense variant is not expected to disrupt NOD2 protein function with a negative predictive value of 95%. In summary, the available evidence is currently insufficient to determine the role of this variant in disease. Therefore, it has been classified as a Variant of Uncertain Significance.